The following is an entry in ClinVar:

NM_000257.4(MYH7):c.796+7G>A

Gene: MYH7 (myosin heavy chain 7; minus strand). Cytogenetic location: 14q11.2.
Variant type: single nucleotide variant.
Coding change: c.796+7G>A on transcript NM_000257.4 (MANE Select); 7 bases into the intron after coding-DNA position 796, G replaced by A.
Molecular consequence: intron variant.
Genome position (GRCh38, 1-based): chr14:23,431,411, C>T on the plus strand (G>A on the coding strand, the complement: MYH7 is on the minus strand). VCF-style: chr14-23431411-C-T. GRCh37 (hg19) VCF-style: chr14-23900620-C-T.
Identifiers: ClinVar variation 43107 (VCV000043107.20), dbSNP rs369286647, ClinGen allele CA016839.

ClinVar aggregate classification (germline): Likely benign. Review status: criteria provided, multiple submitters, no conflicts (2 of 4 stars). 6 submissions from 6 submitters: Likely benign (6). Last evaluated 2026-01-28.

Conditions:
MYH7-related disorder. Also called: MYH7-related condition; MYH7-related disease; MYH7-related disorders.
Cardiomyopathy (CMYO). Also called: Cardiomyopathies. Identifiers: Orphanet 167848, MedGen C0878544, MONDO:0004994, HP:0001638. Inheritance: Various modes of inheritance.
Hypertrophic cardiomyopathy. Also called: HYPERTROPHIC MYOCARDIOPATHY. Identifiers: Orphanet 217569, MedGen C0007194, MeSH D002312, MONDO:0005045, HP:0001639.

Allele frequency attached by ClinVar (database versions not stated): gnomAD exomes 0.00003 and 0.00010; ExAC 0.00010; ESP Exome Variant Server 0.00015; gnomAD 0.00018 and 0.00019; 1000 Genomes Project 0.00020; TOPMed 0.00023; 1000 Genomes Project 30x 0.00031.
gnomAD v4.1: 68 of 1,613,822 alleles (0.0042%); highest among the groups gnomAD compares: African/African-American, 0.079%; no homozygotes.

Submissions (6):

Labcorp Genetics (formerly Invitae), Labcorp
Classification: Likely benign for Hypertrophic cardiomyopathy. Last evaluated: 2026-01-28. Review status: criteria provided, single submitter. Criteria: Invitae Variant Classification Sherloc (09022015). Collection method: clinical testing. Allele origin: germline.

PreventionGenetics, part of Exact Sciences
Classification: Likely benign for MYH7-related condition. Last evaluated: 2025-02-10. Review status: criteria provided, single submitter. Criteria: ACMG Guidelines, 2015. Collection method: clinical testing. Allele origin: germline.
Comment: This variant is classified as likely benign based on ACMG/AMP sequence variant interpretation guidelines (Richards et al. 2015 PMID: 25741868, with internal and published modifications).

Women's Health and Genetics/Laboratory Corporation of America, LabCorp
Classification: Likely benign. Last evaluated: 2022-05-09. Review status: criteria provided, single submitter. Criteria: LabCorp Variant Classification Summary - May 2015. Collection method: clinical testing. Allele origin: germline.
Comment: Variant summary: MYH7 c.796+7G>A alters a non-conserved nucleotide located close to a canonical splice site and therefore could affect mRNA splicing, leading to a significantly altered protein sequence. 4/4 computational tools predict no significant impact on normal splicing. However, these predictions have yet to be confirmed by functional studies. The variant allele was found at a frequency of 0.00018 in 152182 control chromosomes, predominantly at a frequency of 0.0012 within the African or African-American subpopulation in the gnomAD database. This frequency is not significantly higher than expected for a pathogenic variant in MYH7 causing Cardiomyopathy (0.00018 vs 0.0013), allowing no conclusion about variant significance. To our knowledge, no occurrence of c.796+7G>A in individuals affected with Cardiomyopathy and no experimental evidence demonstrating its impact on protein function have been reported. Two clinical diagnostic laboratories have submitted clinical-significance assessments for this variant to ClinVar after 2014 without evidence for independent evaluation. All laboratories classified the variant as likely benign. Based on the evidence outlined above, the variant was classified as likely benign.

CHEO Genetics Diagnostic Laboratory, Children's Hospital of Eastern Ontario
Classification: Likely benign for Cardiomyopathy. Last evaluated: 2021-11-11. Review status: criteria provided, single submitter. Criteria: ACMG Guidelines, 2015. Collection method: clinical testing. Allele origin: germline.

GeneDx
Classification: Likely benign. Last evaluated: 2017-11-27. Review status: criteria provided, single submitter. Criteria: GeneDx Variant Classification (06012015). Collection method: clinical testing. Allele origin: germline. Affected: yes.
Comment: This variant is considered likely benign or benign based on one or more of the following criteria: it is a conservative change, it occurs at a poorly conserved position in the protein, it is predicted to be benign by multiple in silico algorithms, and/or has population frequency not consistent with disease.

Laboratory for Molecular Medicine, Mass General Brigham Personalized Medicine
Classification: Likely benign. Last evaluated: 2014-08-22. Review status: criteria provided, single submitter. Criteria: LMM Criteria. Collection method: clinical testing. Allele origin: germline. Observed: 2 variant alleles.
Comment: 796+7G>A in intron 9 of MYH7: This variant is not expected to have clinical sign ificance because it is not located within the splice consensus sequence. It has been identified in 2/4406 African American chromosomes by the NHLBI Exome Sequen cing Project (dbSNP rs369286647).